The following is an entry in ClinVar:

ClinVar aggregate classification (germline): Uncertain significance (1 of 4 stars; one submission).

Submission:

Labcorp Genetics (formerly Invitae), Labcorp
Classification: Uncertain significance. Last evaluated: 2025-07-02. Review status: criteria provided, single submitter. Criteria: Invitae Variant Classification Sherloc (09022015). Collection method: clinical testing. Allele origin: germline.
Comment: This variant, c.1050_1067dup, results in the insertion of 6 amino acid(s) of the RHOBTB2 protein (p.His351_His356dup), but otherwise preserves the integrity of the reading frame. This variant is not present in population databases (gnomAD no frequency). This variant has not been reported in the literature in individuals affected with RHOBTB2-related conditions. In summary, the available evidence is currently insufficient to determine the role of this variant in disease. Therefore, it has been classified as a Variant of Uncertain Significance.

NM_015178.3(RHOBTB2):c.984_1001dup (p.His334_Gly335insHisHisHisHisHisHis)

Gene: RHOBTB2 (Rho related BTB domain containing 2; plus strand). Cytogenetic location: 8p21.3.
Variant type: Duplication.
Coding change: c.984_1001dup on transcript NM_015178.3 (MANE Select); coding-DNA positions 984 to 1001, 18 bases duplicated (CCATCACCACCACCACCA).
Protein change: p.His334_Gly335insHisHisHisHisHisHis.
Molecular consequence: inframe insertion.
Genome position (GRCh38, 1-based): chr8:23,007,229-23,007,246, CCATCACCACCACCACCA duplicated; duplicating any 18 consecutive bases within chr8:23,007,221-23,007,246 gives the same sequence; the c. name uses the placement nearest the transcript's 3' end. VCF-style (leftmost placement, unchanged base first): chr8-23007220-A-ACACCACCACCATCACCAC. GRCh37 (hg19) VCF-style: chr8-22864733-A-ACACCACCACCATCACCAC.
Other names: c.1050_1067dup, p.His356_Gly357insHisHisHisHisHisHis (NM_001160036.2); c.1005_1022dup, p.His341_Gly342insHisHisHisHisHisHis (NM_001160037.2); c.984_1001dup, p.His334_Gly335insHisHisHisHisHisHis (NM_001374791.1).
Identifiers: ClinVar variation 4722500 (VCV004722500.1).